The following is an entry in ClinVar:

ClinVar aggregate classification (germline): Likely pathogenic. Review status: criteria provided, single submitter (1 of 4 stars). 2 submissions from 2 submitters: Likely pathogenic (1). 1 of the submissions does not count toward it. Last evaluated 2023-06-27.

Conditions:
Jeune thoracic dystrophy. Also called: Short-rib thoracic dysplasia; Jeune syndrome; Infantile thoracic dystrophy; Thoracic pelvic phalangeal dystrophy; Jeune's syndrome; Chondroectodermal dysplasia-like syndrome. Identifiers: Orphanet 474, MedGen C0265275, MONDO:0018770.
Orofaciodigital syndrome 20. Also called: Orofaciodigital syndrome XX. Identifiers: MedGen C5935578, MONDO:0958230, OMIM 620718.

Allele frequency attached by ClinVar (database versions not stated): gnomAD exomes 0.00001; ExAC 0.00002; TOPMed 0.00002; gnomAD 0.00003.
gnomAD v4.1: 17 of 1,613,846 alleles (0.0011%); highest among the groups gnomAD compares: African/African-American, 0.0093%; no homozygotes.

Submissions (2):

Rare Disease Group, Clinical Genetics, Karolinska Institutet
Classification: Likely pathogenic for Jeune thoracic dystrophy. Last evaluated: 2023-06-27. Review status: criteria provided, single submitter. Criteria: ACMG Guidelines, 2015. Collection method: research. Allele origin: maternal. Affected: yes.
Comment: The p.(Ile85Thr) variant in the RAB34 gene is seen in compound heterozygosity with a nonsense variant, p.(Arg223*). The Rab34 gene have been studied in knockout mice, reported to have a short rib thoracic dysplasia phenotype, polydactyly and cleft lip palate (PMID: 30301781), malformations that are consistent with those found in the affected fetus. Studies of mice and cells show that Rab34 is required for formation of the ciliary vesicle and is important for ciliogenesis (PMID: 30301781, PMID: 33989524 and PMID: 33989527). In summary, the p.Ile85Thr variant meets our critera to be classified as likely pathogenic (based upon absence from controls (PM2), compound heterozygosity (PM3), computational prediction (PP3) and functional studies as supporting (PP) for criteria PS3).

OMIM
Classification: Pathogenic for OROFACIODIGITAL SYNDROME XX. Last evaluated: 2024-02-14. Review status: no assertion criteria provided. Collection method: literature only. Allele origin: germline. Not counted in ClinVar's aggregate classification.

Literature cited by the submitters: PubMed 37619988 (cited by OMIM).

NM_031934.6(RAB34):c.254T>C (p.Ile85Thr)

Gene: RAB34 (RAB34, member RAS oncogene family; minus strand). Cytogenetic location: 17q11.2.
Variant type: single nucleotide variant.
Coding change: c.254T>C on transcript NM_031934.6 (MANE Select); coding-DNA position 254, T replaced by C.
Protein change: p.Ile85Thr; replaces isoleucine 85 with threonine.
Molecular consequence: missense variant. On other transcripts: 3 prime UTR variant (1).
Genome position (GRCh38, 1-based): chr17:28,715,860, A>G on the plus strand (T>C on the coding strand, the complement: RAB34 is on the minus strand). VCF-style: chr17-28715860-A-G. GRCh37 (hg19) VCF-style: chr17-27042878-A-G.
Other names: c.254T>C, p.Ile85Thr (NM_001136045.1, NM_001144942.2, NM_001256277.2 and 1 more transcripts); c.425T>C, p.Ile142Thr (NM_001142624.2, NM_001144943.1); c.428T>C, p.Ile143Thr (NM_001142625.2); c.188T>C, p.Ile63Thr (NM_001256276.2); c.*102T>C (NM_001256281.3); short protein forms I142T, I143T, I63T, I85T.
Identifiers: ClinVar variation 2506966 (VCV002506966.3), dbSNP rs750408092, ClinGen allele CA8466112.
Genomic context (GRCh38, chr17:28,715,860, plus strand): 5'-AGCTGCAAACTGAAGGGAATGCCCAGCACCTCAAATCGTTCCATCTCGAAGTCCACTCCA[A>G]TGGTGGCCTTGTAATTCTTATCAAAGGTGTCTTTGCAGAACCTGAGAGGGTACCAGATGC-3'
Protein context (NP_114140.4, residues 75-95): DTFDKNYKAT[Ile85Thr]GVDFEMERFE